The following is an entry in ClinVar:

NM_002878.4(RAD51D):c.919G>T (p.Glu307Ter)

Genes: RAD51D (RAD51 paralog D; minus strand), RAD51L3-RFFL (RAD51L3-RFFL readthrough; minus strand). Cytogenetic location: 17q12.
Variant type: single nucleotide variant.
Coding change: c.919G>T on transcript NM_002878.4 (MANE Select); coding-DNA position 919, G replaced by T.
Protein change: p.Glu307Ter; replaces glutamic acid 307 with a stop codon.
Molecular consequence: nonsense. On other transcripts: non-coding transcript variant (2).
Genome position (GRCh38, 1-based): chr17:35,101,021, C>A on the plus strand (G>T on the coding strand, the complement: RAD51D is on the minus strand). VCF-style: chr17-35101021-C-A. GRCh37 (hg19) VCF-style: chr17-33428040-C-A.
Other names: c.979G>T, p.Glu327Ter (NM_001142571.2); c.583G>T, p.Glu195Ter (NM_133629.3); c.919G>T (NM_002878.3); short protein forms E307*, E195*, E327*.
Identifiers: ClinVar variation 1377880 (VCV001377880.8), dbSNP rs115031549, ClinGen allele CA399086162.
Genomic context (GRCh38, chr17:35,101,021, plus strand): 5'-GATCACCCTGTAATGTGGCACTCTGCTCTGAGGTCCCCCAGGTCCCAATGTCTACCATCT[C>A]CTGGAAACCTGTTGGCTGGAAGAAGAAGTAAGGAGTCAGTGGAGTTAAGCAACCCAAGTG-3'

ClinVar aggregate classification (germline): Uncertain significance. Review status: criteria provided, multiple submitters, no conflicts (2 of 4 stars). 3 submissions from 3 submitters: Uncertain significance (3). Last evaluated 2026-05-26.

Conditions:
Hereditary cancer-predisposing syndrome. Also called: Neoplastic Syndromes, Hereditary; Tumor predisposition; Hereditary Cancer Syndrome; Hereditary neoplastic syndrome. Identifiers: Orphanet 140162, MedGen C0027672, MeSH D009386, MONDO:0015356.
Breast-ovarian cancer, familial, susceptibility to, 4. Identifiers: Orphanet 145, MedGen C3280345, MONDO:0013669, OMIM 614291.

Submissions (3):

Ambry Genetics
Classification: Uncertain significance for Hereditary cancer-predisposing syndrome. Last evaluated: 2026-05-26. Review status: criteria provided, single submitter. Criteria: Ambry Variant Classification Scheme 2023. Collection method: clinical testing. Allele origin: germline.
Comment: The p.E307* variant (also known as c.919G>T), located in coding exon 10 of the RAD51D gene, results from a G to T substitution at nucleotide position 919. This changes the amino acid from a glutamic acid to a stop codon within coding exon 10. This alteration occurs at the 3' terminus of RAD51D gene, is not expected to trigger nonsense-mediated mRNAdecay, and only impacts the last 22 amino acids of the protein. The exact functional effect of this alteration is unknown. Based on the available evidence, the clinical significance of this variant remains unclear.

Molecular Diagnostics Laboratory, Catalan Institute of Oncology
Classification: Uncertain significance for Hereditary cancer-predisposing syndrome. Last evaluated: 2025-04-29. Review status: criteria provided, single submitter. Criteria: ACMG Guidelines, 2015. Collection method: clinical testing. Allele origin: germline.
Comment: PVS1_Moderate, PM2_Supporting c.919G>T, located in the last exon of the RAD51D gene (exon 10), is a nonsense variant not predicted to undergo NMD that will remove the last 22 aminoacids of the protein (p.(Glu307Ter)), which is less than the 10% of it (PVS1_Moderate). It is not present in the population database gnomAD v2.1.1, non cancer dataset (PM2_supporting). No effect is predicted on splicing by computational tools (MaxEnt, NNSplice, Gene Splicer), although SpliceAI algorithm predicts that the variant slightly impairs the splicing acceptor site of exon 10 (deltascore: 0.22). To our knowledge, neither relevant clinical data nor well-stablished functional studies have been reported for this variant. It has only been reported once in ClinVar, as an uncertain significance variant. Based on the currently available information, c.919G>T is classified as an uncertain significance variant according to ACMG guidelines.

Labcorp Genetics (formerly Invitae), Labcorp
Classification: Uncertain significance for Breast-ovarian cancer, familial, susceptibility to, 4. Last evaluated: 2024-04-04. Review status: criteria provided, single submitter. Criteria: Invitae Variant Classification Sherloc (09022015). Collection method: clinical testing. Allele origin: germline.
Comment: This sequence change creates a premature translational stop signal (p.Glu307*) in the RAD51D gene. While this is not anticipated to result in nonsense mediated decay, it is expected to disrupt the last 22 amino acid(s) of the RAD51D protein. This variant is not present in population databases (gnomAD no frequency). This variant has not been reported in the literature in individuals affected with RAD51D-related conditions. ClinVar contains an entry for this variant (Variation ID: 1377880). Experimental studies and prediction algorithms are not available or were not evaluated, and the functional significance of this variant is currently unknown. Algorithms developed to predict the effect of sequence changes on RNA splicing suggest that this variant may disrupt the consensus splice site. In summary, the available evidence is currently insufficient to determine the role of this variant in disease. Therefore, it has been classified as a Variant of Uncertain Significance.